The following is an entry in ClinVar:

ClinVar aggregate classification (germline): Conflicting classifications of pathogenicity. Review status: criteria provided, conflicting classifications (1 of 4 stars). 3 submissions from 3 submitters: Uncertain significance (2); Likely benign (1). Last evaluated 2025-12-15.

Conditions:
Inborn genetic diseases. Identifiers: MedGen C0950123, MeSH D030342.
Trichohepatoenteric syndrome 2 (THES2). Identifiers: Orphanet 84064, MedGen C3281289, MONDO:0013818, OMIM 614602.

Allele frequency attached by ClinVar (database versions not stated): gnomAD exomes 0.00002; ExAC 0.00003.
gnomAD v4.1: 30 of 1,612,660 alleles (0.0019%); highest among the groups gnomAD compares: Middle Eastern, 0.016%; no homozygotes.

Submissions (3):

Ambry Genetics
Classification: Uncertain significance for Inborn genetic diseases. Last evaluated: 2025-12-15. Review status: criteria provided, single submitter. Criteria: Ambry Variant Classification Scheme 2023. Collection method: clinical testing. Allele origin: germline.

3billion
Classification: Likely benign for Trichohepatoenteric syndrome 2. Last evaluated: 2024-09-20. Review status: criteria provided, single submitter. Criteria: ACMG Guidelines, 2015. Collection method: clinical testing. Allele origin: germline. Affected: no.
Comment: The homozygous variant was found in patients diagnosed with another variant in a different gene, with no symptoms related to the gene containing the homozygous variant.

Labcorp Genetics (formerly Invitae), Labcorp
Classification: Uncertain significance. Last evaluated: 2021-08-02. Review status: criteria provided, single submitter. Criteria: Invitae Variant Classification Sherloc (09022015). Collection method: clinical testing. Allele origin: germline.
Comment: This sequence change replaces arginine with histidine at codon 828 of the SKIV2L protein (p.Arg828His). The arginine residue is moderately conserved and there is a small physicochemical difference between arginine and histidine. This variant is present in population databases (rs774644201, ExAC 0.02%). This variant has not been reported in the literature in individuals affected with SKIV2L-related conditions. Algorithms developed to predict the effect of missense changes on protein structure and function output the following: SIFT: "Tolerated"; PolyPhen-2: "Benign"; Align-GVGD: "Class C0". The histidine amino acid residue is found in multiple mammalian species, which suggests that this missense change does not adversely affect protein function. In summary, the available evidence is currently insufficient to determine the role of this variant in disease. Therefore, it has been classified as a Variant of Uncertain Significance.

NM_006929.5(SKIC2):c.2483G>A (p.Arg828His)

Gene: SKIC2 (SKI2 subunit of superkiller complex; plus strand). Cytogenetic location: 6p21.33.
Variant type: single nucleotide variant.
Coding change: c.2483G>A on transcript NM_006929.5 (MANE Select); coding-DNA position 2483, G replaced by A.
Protein change: p.Arg828His; replaces arginine 828 with histidine.
Molecular consequence: missense variant.
Genome position (GRCh38, 1-based): chr6:31,967,277, G>A. VCF-style: chr6-31967277-G-A. GRCh37 (hg19) VCF-style: chr6-31935054-G-A.
Other names: c.2483G>A (NM_006929.4); short protein forms R828H.
Identifiers: ClinVar variation 1424426 (VCV001424426.5), dbSNP rs774644201, ClinGen allele CA3729795.